The following is an entry in ClinVar:

NM_001379403.1(WDR26):c.-2C>T

Gene: WDR26 (WD repeat domain 26; minus strand). Cytogenetic location: 1q42.12.
Variant type: single nucleotide variant.
Coding change: c.-2C>T on transcript NM_001379403.1 (MANE Select); 2 bases upstream of the start codon, C replaced by T.
Molecular consequence: 5 prime UTR variant.
Genome position (GRCh38, 1-based): chr1:224,434,407, G>A on the plus strand (C>T on the coding strand, the complement: WDR26 is on the minus strand). VCF-style: chr1-224434407-G-A. GRCh37 (hg19) VCF-style: chr1-224622109-G-A.
Other names: c.-302C>T (NM_001115113.3, NM_025160.7).
Identifiers: ClinVar variation 1701125 (VCV001701125.31), dbSNP rs997113313, ClinGen allele CA38747883.
Genomic context (GRCh38, chr1:224,434,407, plus strand): 5'-GTGTCCGAGTCGGAGGAGGAGGAAGCGGAGGCCAGAGTTTCCTCGCCGAGAGAGGCCGTG[G>A]TGGGAAGCCGGTGGGGCGAGGCGGGGGAGGGGAGGCGGGGGCCGGGGAGAGGGTCGGGGT-3'

ClinVar aggregate classification (germline): Uncertain significance (1 of 4 stars; one submission).

Allele frequency attached by ClinVar (database versions not stated): gnomAD 0.00001; gnomAD exomes 0.00001; TOPMed 0.00003.
gnomAD v4.1: 12 of 1,100,860 alleles (0.0011%); highest among the groups gnomAD compares: Middle Eastern, 0.038%; no homozygotes.

Submission:

CeGaT Center for Human Genetics Tuebingen
Classification: Uncertain significance. Last evaluated: 2022-08-01. Review status: criteria provided, single submitter. Criteria: CeGaT Center For Human Genetics Tuebingen Variant Classification Criteria Version 2. Collection method: clinical testing. Allele origin: germline. Affected: yes. Observed: 2 variant alleles.
Comment: WDR26: PM2:Supporting, BP4